The following is an entry in ClinVar:

ClinVar aggregate classification (germline): Uncertain significance (1 of 4 stars; one submission).

Submission:

Labcorp Genetics (formerly Invitae), Labcorp
Classification: Uncertain significance. Last evaluated: 2025-09-06. Review status: criteria provided, single submitter. Criteria: Invitae Variant Classification Sherloc (09022015). Collection method: clinical testing. Allele origin: germline.
Comment: This sequence change affects codon 302 of the AP3D1 mRNA. It is a 'silent' change, meaning that it does not change the encoded amino acid sequence of the AP3D1 protein. This variant also falls at the last nucleotide of exon 10, which is part of the consensus splice site for this exon. This variant is not present in population databases (gnomAD no frequency). This variant has not been reported in the literature in individuals affected with AP3D1-related conditions. ClinVar contains an entry for this variant (Variation ID: 2832156). Variants that disrupt the consensus splice site are a relatively common cause of aberrant splicing (PMID: 17576681, 9536098). Algorithms developed to predict the effect of sequence changes on RNA splicing suggest that this variant is not likely to affect RNA splicing. In summary, the available evidence is currently insufficient to determine the role of this variant in disease. Therefore, it has been classified as a Variant of Uncertain Significance.

Literature cited by the submitters: PubMed 17576681; PubMed 9536098.

NM_001261826.3(AP3D1):c.906G>A (p.Gln302=)

Gene: AP3D1 (adaptor related protein complex 3 subunit delta 1; minus strand). Cytogenetic location: 19p13.3.
Variant type: single nucleotide variant.
Coding change: c.906G>A on transcript NM_001261826.3 (MANE Select); coding-DNA position 906, G replaced by A.
Protein change: p.Gln302=; no amino-acid change (glutamine 302 retained).
Molecular consequence: synonymous variant.
Genome position (GRCh38, 1-based): chr19:2,123,830, C>T on the plus strand (G>A on the coding strand, the complement: AP3D1 is on the minus strand). VCF-style: chr19-2123830-C-T. GRCh37 (hg19) VCF-style: chr19-2123829-C-T.
Other names: c.906G>A, p.Gln302= (NM_001374799.1, NM_003938.8).
Identifiers: ClinVar variation 2832156 (VCV002832156.3), dbSNP rs2512182435, ClinGen allele CA504774878.